The following is an entry in ClinVar:

NM_015330.6(SPECC1L):c.1324_1326del (p.Lys442del)

Genes: SPECC1L (sperm antigen with calponin homology and coiled-coil domains 1 like; plus strand), SPECC1L-ADORA2A (SPECC1L-ADORA2A readthrough (NMD candidate); plus strand). Cytogenetic location: 22q11.23.
Variant type: Deletion.
Coding change: c.1324_1326del on transcript NM_015330.6 (MANE Select); coding-DNA positions 1324 to 1326, 3 bases deleted (AAG; older notation c.1324_1326delAAG).
Protein change: p.Lys442del; deletes lysine 442.
Molecular consequence: inframe deletion. On other transcripts: non-coding transcript variant (1).
Genome position (GRCh38, 1-based): chr22:24,322,304-24,322,306, AAG deleted; deleting any 3 consecutive bases within chr22:24,322,302-24,322,306 gives the same sequence; the c. name uses the placement nearest the transcript's 3' end. VCF-style (leftmost placement, unchanged base first): chr22-24322301-GAGA-G. GRCh37 (hg19) VCF-style: chr22-24718269-GAGA-G.
Other names: c.1324_1326del, p.Lys442del (NM_001145468.4, NM_001254732.3); short protein forms K442del.
Identifiers: ClinVar variation 985768 (VCV000985768.5), dbSNP rs2040737476, ClinGen allele CA1139666988.

ClinVar aggregate classification (germline): Conflicting classifications of pathogenicity. Review status: criteria provided, conflicting classifications (1 of 4 stars). 2 submissions from 2 submitters: Likely pathogenic (1); Uncertain significance (1). Last evaluated 2024-11-30.

Conditions:
Inborn genetic diseases. Identifiers: MedGen C0950123, MeSH D030342.

Submissions (2):

Labcorp Genetics (formerly Invitae), Labcorp
Classification: Uncertain significance. Last evaluated: 2024-11-30. Review status: criteria provided, single submitter. Criteria: Invitae Variant Classification Sherloc (09022015). Collection method: clinical testing. Allele origin: germline.
Comment: This variant, c.1324_1326del, results in the deletion of 1 amino acid(s) of the SPECC1L protein (p.Lys442del), but otherwise preserves the integrity of the reading frame. This variant is not present in population databases (gnomAD no frequency). This variant has not been reported in the literature in individuals affected with SPECC1L-related conditions. ClinVar contains an entry for this variant (Variation ID: 985768). Experimental studies and prediction algorithms are not available or were not evaluated, and the functional significance of this variant is currently unknown. In summary, the available evidence is currently insufficient to determine the role of this variant in disease. Therefore, it has been classified as a Variant of Uncertain Significance.

Ambry Genetics
Classification: Likely pathogenic for Inborn genetic diseases. Last evaluated: 2019-05-01. Review status: criteria provided, single submitter. Criteria: Ambry exome assertion method (8-5-2015). Collection method: clinical testing. Allele origin: germline. Affected: yes. Observed: 1 variant allele.